The following is an entry in ClinVar:

NM_133459.4(CCBE1):c.289C>T (p.Pro97Ser)

Gene: CCBE1 (collagen and calcium binding EGF domains 1; minus strand). Cytogenetic location: 18q21.32.
Variant type: single nucleotide variant.
Coding change: c.289C>T on transcript NM_133459.4 (MANE Select); coding-DNA position 289, C replaced by T.
Protein change: p.Pro97Ser; replaces proline 97 with serine.
Molecular consequence: missense variant.
Genome position (GRCh38, 1-based): chr18:59,469,584, G>A on the plus strand (C>T on the coding strand, the complement: CCBE1 is on the minus strand). VCF-style: chr18-59469584-G-A. GRCh37 (hg19) VCF-style: chr18-57136816-G-A.
Other names: short protein forms P97S.
Identifiers: ClinVar variation 1404862 (VCV001404862.6), dbSNP rs1216440169, ClinGen allele CA402592629.

ClinVar aggregate classification (germline): Uncertain significance (1 of 4 stars; one submission).

gnomAD v4.1: 3 of 1,614,028 alleles (0.00019%); highest among the groups gnomAD compares: Admixed American, 0.0033%; no homozygotes.

Submission:

Labcorp Genetics (formerly Invitae), Labcorp
Classification: Uncertain significance. Last evaluated: 2024-02-24. Review status: criteria provided, single submitter. Criteria: Invitae Variant Classification Sherloc (09022015). Collection method: clinical testing. Allele origin: germline.
Comment: This sequence change replaces proline, which is neutral and non-polar, with serine, which is neutral and polar, at codon 97 of the CCBE1 protein (p.Pro97Ser). This variant is not present in population databases (gnomAD no frequency). This variant has not been reported in the literature in individuals affected with CCBE1-related conditions. ClinVar contains an entry for this variant (Variation ID: 1404862). Advanced modeling of protein sequence and biophysical properties (such as structural, functional, and spatial information, amino acid conservation, physicochemical variation, residue mobility, and thermodynamic stability) performed at Invitae indicates that this missense variant is expected to disrupt CCBE1 protein function with a positive predictive value of 80%. In summary, the available evidence is currently insufficient to determine the role of this variant in disease. Therefore, it has been classified as a Variant of Uncertain Significance.